The following is an entry in ClinVar:

ClinVar aggregate classification (germline): Uncertain significance. Review status: criteria provided, multiple submitters, no conflicts (2 of 4 stars). 2 submissions from 2 submitters: Uncertain significance (2). Last evaluated 2024-05-16.

Conditions:
Mevalonic aciduria (MEVA). Identifiers: Orphanet 29, MedGen C1959626, MONDO:0012481, OMIM 610377.
Porokeratosis 3, disseminated superficial actinic type (POROK3). Also called: POROKERATOSIS, DISSEMINATED SUPERFICIAL ACTINIC, 1; POROKERATOSIS 3, MULTIPLE TYPES; POROKERATOSIS 3, MIBELLI TYPE. Identifiers: MedGen C1867981, MONDO:0008293, OMIM 175900.
Hyperimmunoglobulin D with periodic fever (HIDS). Also called: Hyperimmunoglobulinemia D; Hyperimmunoglobulinemia D with periodic fever; HYPERIMMUNOGLOBULINEMIA D AND PERIODIC FEVER SYNDROME. Identifiers: Orphanet 343, MedGen C0398691, MONDO:0009849, OMIM 260920.

Allele frequency attached by ClinVar (database versions not stated): ExAC 0.00001; gnomAD exomes 0.00001; TOPMed 0.00001; gnomAD 0.00002.

Submissions (2):

Fulgent Genetics
Classification: Uncertain significance for Porokeratosis 3, disseminated superficial actinic type; Hyperimmunoglobulin D with periodic fever; Mevalonic aciduria. Last evaluated: 2024-05-16. Review status: criteria provided, single submitter. Criteria: ACMG Guidelines, 2015. Collection method: clinical testing. Allele origin: germline.

Labcorp Genetics (formerly Invitae), Labcorp
Classification: Uncertain significance for Mevalonic aciduria; Hyperimmunoglobulin D with periodic fever; Porokeratosis 3, disseminated superficial actinic type. Last evaluated: 2021-08-14. Review status: criteria provided, single submitter. Criteria: Invitae Variant Classification Sherloc (09022015). Collection method: clinical testing. Allele origin: germline.
Comment: This sequence change replaces glycine with arginine at codon 140 of the MVK protein (p.Gly140Arg). The glycine residue is highly conserved and there is a moderate physicochemical difference between glycine and arginine. This variant is present in population databases (rs781108404, ExAC 0.002%). This variant has not been reported in the literature in individuals affected with MVK-related conditions. Advanced modeling of protein sequence and biophysical properties (such as structural, functional, and spatial information, amino acid conservation, physicochemical variation, residue mobility, and thermodynamic stability) performed at Invitae indicates that this missense variant is expected to disrupt MVK protein function. Algorithms developed to predict the effect of sequence changes on RNA splicing suggest that this variant may create or strengthen a splice site. In summary, the available evidence is currently insufficient to determine the role of this variant in disease. Therefore, it has been classified as a Variant of Uncertain Significance.

NM_000431.4(MVK):c.418G>A (p.Gly140Arg)

Gene: MVK (mevalonate kinase; plus strand). Cytogenetic location: 12q24.11.
Variant type: single nucleotide variant.
Coding change: c.418G>A on transcript NM_000431.4 (MANE Select); coding-DNA position 418, G replaced by A.
Protein change: p.Gly140Arg; replaces glycine 140 with arginine.
Molecular consequence: missense variant. On other transcripts: intron variant (1).
Genome position (GRCh38, 1-based): chr12:109,581,441, G>A. VCF-style: chr12-109581441-G-A. GRCh37 (hg19) VCF-style: chr12-110019246-G-A.
Other names: c.418G>A, p.Gly140Arg (NM_001114185.3); c.371+1495G>A (NM_001301182.2); short protein forms G140R.
Identifiers: ClinVar variation 1490985 (VCV001490985.6), dbSNP rs781108404, ClinGen allele CA6779256.